The following is an entry in ClinVar:

ClinVar aggregate classification (germline): Pathogenic (1 of 4 stars; one submission).

Conditions:
Peroxisome biogenesis disorder. Identifiers: Orphanet 79189, MedGen C1832200, MONDO:0019234. Disease mechanism: loss of function.

Submission:

Labcorp Genetics (formerly Invitae), Labcorp
Classification: Pathogenic for Peroxisome biogenesis disorder. Last evaluated: 2021-11-29. Review status: criteria provided, single submitter. Criteria: Invitae Variant Classification Sherloc (09022015). Collection method: clinical testing. Allele origin: germline.
Comment: For these reasons, this variant has been classified as Pathogenic. This variant has not been reported in the literature in individuals affected with PEX6-related conditions. This variant is a gross deletion of the genomic region encompassing exon(s) 1-2 of the PEX6 gene, which includes the initiator codon. This deletion extends beyond the assayed region for this gene and therefore may encompass additional genes. It is expected to result in an absent or disrupted protein product. Loss-of-function variants in PEX6 are known to be pathogenic (PMID: 8670792, 19877282, 21031596).

Literature cited by the submitters: PubMed 8670792; PubMed 19877282; PubMed 21031596.

NC_000006.11:g.(?_42942593)_(42946888_?)del

Gene: PEX6 (peroxisomal biogenesis factor 6; minus strand). Cytogenetic location: 6p21.1.
Variant type: Deletion.
Identifiers: ClinVar variation 2422815 (VCV002422815.6).